The following is an entry in ClinVar:

ClinVar aggregate classification (germline): Pathogenic. Review status: reviewed by expert panel (3 of 4 stars). 2 submissions from 2 submitters: Pathogenic (1). 1 of the submissions does not count toward it. Last evaluated 2017-12-15.

Conditions:
Hereditary cancer-predisposing syndrome. Also called: Tumor predisposition; Hereditary Cancer Syndrome; Hereditary neoplastic syndrome; Neoplastic Syndromes, Hereditary. Identifiers: Orphanet 140162, MedGen C0027672, MeSH D009386, MONDO:0015356.
Breast-ovarian cancer, familial, susceptibility to, 2 (BROVCA2). Also called: BRCA2 Hereditary Breast and Ovarian Cancer. Identifiers: Orphanet 145, MedGen C2675520, MONDO:0012933, OMIM 612555. Disease mechanism: loss of function.

Submissions (2):

Evidence-based Network for the Interpretation of Germline Mutant Alleles (ENIGMA)
Classification: Pathogenic for Breast-ovarian cancer, familial, susceptibility to, 2. Last evaluated: 2017-12-15. Review status: reviewed by expert panel. Criteria: ENIGMA BRCA1/2 Classification Criteria (2017-06-29). Collection method: curation. Allele origin: germline. Study: ENIGMA.
Comment: Variant allele predicted to encode a truncated non-functional protein.

Ambry Genetics
Classification: Pathogenic for Hereditary cancer-predisposing syndrome. Last evaluated: 2016-08-22. Review status: criteria provided, single submitter. Criteria: Ambry Variant Classification Scheme 2023. Collection method: clinical testing. Allele origin: germline. Not counted in ClinVar's aggregate classification.
Comment: The c.176delC pathogenic mutation, located in coding exon 2 of the BRCA2 gene, results from a deletion of one nucleotide at position 176, causing a translational frameshift with a predicted alternate stop codon. This alteration is expected to result in loss of function by premature protein truncation or nonsense-mediated mRNA decay. As such, this alteration is interpreted as a disease-causing mutation.

NM_000059.4(BRCA2):c.176del (p.Pro59fs)

Gene: BRCA2 (BRCA2 DNA repair associated; plus strand). Cytogenetic location: 13q13.1.
Variant type: Deletion.
Coding change: c.176del on transcript NM_000059.4 (MANE Select); coding-DNA position 176, one base deleted (C; older notation c.176delC).
Protein change: p.Pro59fs; shifts the reading frame from proline 59.
Molecular consequence: frameshift variant.
Genome position (GRCh38, 1-based): chr13:32,319,185, C deleted; the last of 2 consecutive C bases (chr13:32,319,184-32,319,185); deleting either gives the same sequence. VCF-style (leftmost placement, unchanged base first): chr13-32319183-AC-A. GRCh37 (hg19) VCF-style: chr13-32893320-AC-A.
Other names: c.176delC (NM_000059.3); short protein forms P59fs.
Identifiers: ClinVar variation 233584 (VCV000233584.7), dbSNP rs876660504, ClinGen allele CA10579447.